The following is an entry in ClinVar:

NM_000038.6(APC):c.5113A>G (p.Thr1705Ala)

Gene: APC (APC regulator of Wnt signaling pathway; plus strand). Cytogenetic location: 5q22.2.
Variant type: single nucleotide variant.
Coding change: c.5113A>G on transcript NM_000038.6 (MANE Select); coding-DNA position 5113, A replaced by G.
Protein change: p.Thr1705Ala; replaces threonine 1705 with alanine.
Molecular consequence: missense variant.
Genome position (GRCh38, 1-based): chr5:112,840,707, A>G. VCF-style: chr5-112840707-A-G. GRCh37 (hg19) VCF-style: chr5-112176404-A-G.
Other names: c.4936A>G, p.Thr1646Ala (NM_001354901.2); c.4840A>G, p.Thr1614Ala (NM_001354902.2); c.5113A>G, p.Thr1705Ala (NM_001127510.3, NM_001354895.2); c.5059A>G, p.Thr1687Ala (NM_001127511.3); c.5167A>G, p.Thr1723Ala (NM_001354896.2); c.5143A>G, p.Thr1715Ala (NM_001354897.2); c.4810A>G, p.Thr1604Ala (NM_001354903.2); c.4735A>G, p.Thr1579Ala (NM_001354904.2); and 5 more; short protein forms T1687A, T1705A, T1422A, T1545A, T1614A, T1664A, T1677A, T1715A.
Identifiers: ClinVar variation 469990 (VCV000469990.15), dbSNP rs1554086453, ClinGen allele CA16032508.

ClinVar aggregate classification (germline): Uncertain significance. Review status: criteria provided, multiple submitters, no conflicts (2 of 4 stars). 3 submissions from 3 submitters: Uncertain significance (3). Last evaluated 2025-08-22.

Conditions:
Familial adenomatous polyposis 1 (FAP1). Also called: POLYPOSIS, ADENOMATOUS INTESTINAL; FAMILIAL ADENOMATOUS POLYPOSIS 1, ATTENUATED. Identifiers: MedGen C2713442, MONDO:0021056, OMIM 175100. Disease mechanism: loss of function.
Hereditary cancer-predisposing syndrome. Also called: Hereditary neoplastic syndrome; Neoplastic Syndromes, Hereditary; Tumor predisposition; Hereditary Cancer Syndrome. Identifiers: Orphanet 140162, MedGen C0027672, MeSH D009386, MONDO:0015356.

Submissions (3):

Ambry Genetics
Classification: Uncertain significance for Hereditary cancer-predisposing syndrome. Last evaluated: 2025-08-22. Review status: criteria provided, single submitter. Criteria: Ambry Variant Classification Scheme 2023. Collection method: clinical testing. Allele origin: germline.
Comment: The p.T1705A variant (also known as c.5113A>G), located in coding exon 15 of the APC gene, results from an A to G substitution at nucleotide position 5113. The threonine at codon 1705 is replaced by alanine, an amino acid with similar properties. This amino acid position is conserved. In addition, in silico predictors for this gene do not accurately predict pathogenicity. Missense alterations in APC are not a common cause of disease (Spier I et al. Genet Med. 2024 Feb;26(2):100992). Based on the available evidence, the clinical significance of this variant remains unclear.

PreventionGenetics, part of Exact Sciences
Classification: Uncertain significance. Last evaluated: 2018-01-17. Review status: criteria provided, single submitter. Criteria: ACMG Guidelines, 2015. Collection method: clinical testing. Allele origin: germline.

Labcorp Genetics (formerly Invitae), Labcorp
Classification: Uncertain significance for Familial adenomatous polyposis 1. Last evaluated: 2017-04-03. Review status: criteria provided, single submitter. Criteria: Invitae Variant Classification Sherloc (09022015). Collection method: clinical testing. Allele origin: germline.
Comment: In summary, this variant is a novel missense change that is not predicted to affect protein function. There is no indication that it causes disease, but the available evidence is currently insufficient to prove that conclusively. Therefore, it has been classified as a Variant of Uncertain Significance. Algorithms developed to predict the effect of missense changes on protein structure and function output the following: SIFT: "Tolerated"; PolyPhen-2: "Benign"; Align-GVGD: "Class C0". The alanine amino acid residue is found in multiple mammalian species, suggesting that this missense change does not adversely affect protein function. These predictions have not been confirmed by published functional studies. This variant is not present in population databases (ExAC no frequency) and has not been reported in the literature in individuals with a APC-related disease. This sequence change replaces threonine with alanine at codon 1705 of the APC protein (p.Thr1705Ala). The threonine residue is weakly conserved and there is a small physicochemical difference between threonine and alanine.